The following is an entry in ClinVar:

NM_001005242.3(PKP2):c.1395G>C (p.Leu465Phe)

Gene: PKP2 (plakophilin 2; minus strand). Cytogenetic location: 12p11.21.
Variant type: single nucleotide variant.
Coding change: c.1395G>C on transcript NM_001005242.3 (MANE Select); coding-DNA position 1395, G replaced by C.
Protein change: p.Leu465Phe; replaces leucine 465 with phenylalanine.
Molecular consequence: missense variant.
Genome position (GRCh38, 1-based): chr12:32,841,189, C>G on the plus strand (G>C on the coding strand, the complement: PKP2 is on the minus strand). VCF-style: chr12-32841189-C-G. GRCh37 (hg19) VCF-style: chr12-32994123-C-G.
Other names: c.1395G>C, p.Leu465Phe (NM_001407155.1, NM_001407156.1, NM_001407161.1); c.1527G>C, p.Leu509Phe (NM_001407157.1, NM_004572.4); c.1068G>C, p.Leu356Phe (NM_001407158.1, NM_001407159.1, NM_001407160.1 and 1 more transcripts); short protein forms L356F, L465F, L509F.
Identifiers: ClinVar variation 1774545 (VCV001774545.2), dbSNP rs1956588629, ClinGen allele CA384368112.

ClinVar aggregate classification (germline): Uncertain significance (1 of 4 stars; one submission).

Conditions:
Cardiovascular phenotype. Identifiers: MedGen CN230736.

Submission:

Ambry Genetics
Classification: Uncertain significance for Cardiovascular phenotype. Last evaluated: 2022-04-19. Review status: criteria provided, single submitter. Criteria: Ambry Variant Classification Scheme 2023. Collection method: clinical testing. Allele origin: germline.
Comment: The p.L509F variant (also known as c.1527G>C), located in coding exon 7 of the PKP2 gene, results from a G to C substitution at nucleotide position 1527. The leucine at codon 509 is replaced by phenylalanine, an amino acid with highly similar properties. This amino acid position is conserved. In addition, this alteration is predicted to be deleterious by in silico analysis. Since supporting evidence is limited at this time, the clinical significance of this alteration remains unclear.